The following is an entry in ClinVar:

NM_001165963.4(SCN1A):c.647G>C (p.Arg216Thr)

Gene: SCN1A (sodium voltage-gated channel alpha subunit 1; minus strand). Cytogenetic location: 2q24.3.
Variant type: single nucleotide variant.
Coding change: c.647G>C on transcript NM_001165963.4 (MANE Select); coding-DNA position 647, G replaced by C.
Protein change: p.Arg216Thr; replaces arginine 216 with threonine.
Molecular consequence: missense variant. On other transcripts: 5 prime UTR variant (1), non-coding transcript variant (1).
Genome position (GRCh38, 1-based): chr2:166,052,899, C>G on the plus strand (G>C on the coding strand, the complement: SCN1A is on the minus strand). VCF-style: chr2-166052899-C-G. GRCh37 (hg19) VCF-style: chr2-166909409-C-G.
Other names: c.647G>C, p.Arg216Thr (NM_001165964.3, NM_001202435.3, NM_001353948.2 and 10 more transcripts); c.-1779G>C (NM_001353961.2); short protein forms R216T.
Identifiers: ClinVar variation 3634065 (VCV003634065.2).

ClinVar aggregate classification (germline): Uncertain significance (1 of 4 stars; one submission).

Conditions:
Early-infantile DEE. Also called: Early infantile epileptic encephalopathy; Ohtahara syndrome; Early infantile epileptic encephalopathy with suppression bursts. Identifiers: Orphanet 1934, MedGen C0393706, MONDO:0800491.

Submission:

Labcorp Genetics (formerly Invitae), Labcorp
Classification: Uncertain significance for Early-infantile DEE. Last evaluated: 2024-04-08. Review status: criteria provided, single submitter. Criteria: Invitae Variant Classification Sherloc (09022015). Collection method: clinical testing. Allele origin: germline.
Comment: This sequence change replaces arginine, which is basic and polar, with threonine, which is neutral and polar, at codon 216 of the SCN1A protein (p.Arg216Thr). This variant is not present in population databases (gnomAD no frequency). This variant has not been reported in the literature in individuals affected with SCN1A-related conditions. Advanced modeling of protein sequence and biophysical properties (such as structural, functional, and spatial information, amino acid conservation, physicochemical variation, residue mobility, and thermodynamic stability) performed at Invitae indicates that this missense variant is expected to disrupt SCN1A protein function with a positive predictive value of 95%. In summary, the available evidence is currently insufficient to determine the role of this variant in disease. Therefore, it has been classified as a Variant of Uncertain Significance.